The following is an entry in ClinVar:

ClinVar aggregate classification (germline): Pathogenic/Likely pathogenic. Review status: criteria provided, multiple submitters, no conflicts (2 of 4 stars). 13 submissions from 13 submitters: Pathogenic (4); Likely pathogenic (9). Last evaluated 2026-09-18.

Conditions:
MMACHC-related disorder. Also called: MMACHC-related condition.
Cobalamin C disease. Also called: Methylmalonic aciduria and homocystinuria, Vitamin B12-responsive; Vitamin B12 metabolic defect with combined deficiency of methylmalonyl-CoA mutase and homocysteine:methyltetrahydrofolate methyltransferase; methylmalonic aciduria and homocystinuria type cblC; Cobalamin-C methylmalonic acidemia and homocystinuria; Methylmalonic acidemia and homocystinuria cblC type; Methylmalonic aciduria with homocystinuria cblC type. Identifiers: Orphanet 26, Orphanet 79282, MedGen C1848561, MONDO:0010184, OMIM 277400.

Allele frequency attached by ClinVar (database versions not stated): TOPMed 0.00011; ExAC 0.00016; ESP Exome Variant Server 0.00016; gnomAD exomes 0.00017.

Submissions (13):

GeneDx
Classification: Likely pathogenic. Last evaluated: 2026-09-18. Review status: criteria provided, single submitter. Criteria: GeneDx Variant Classification Process June 2021. Collection method: clinical testing. Allele origin: germline.
Comment: Observed in patients with methylmalonic aciduria, including at least one patient with a pathogenic or likely pathogenic variant on the opposite allele (in trans) (PMID: 34389282, 35361390, 35193651); Published functional studies suggest a damaging effect on protein stability (PMID: 22642810); In silico analysis supports that this missense variant has a deleterious effect on protein structure/function; This variant is associated with the following publications: (PMID: 33726816, 23754956, 20631720, 16311595, Hu2021[casereport], 34215320, 23241609, 30157807, 35193651, 37252234, 38137438, 35361390, 26149271, 29302025, 23825108, 20610126, 40355523, 39584041, 22642810, 34389282, 41257776, 41927590)

PreventionGenetics, part of Exact Sciences
Classification: Likely pathogenic for MMACHC-related condition. Last evaluated: 2026-02-24. Review status: criteria provided, single submitter. Criteria: ACMG Guidelines, 2015. Collection method: clinical testing. Allele origin: germline.
Comment: The MMACHC c.617G>A variant is predicted to result in the amino acid substitution p.Arg206Gln. This variant has been reported in the compound heterozygous state in at least one individual with methylmalonic aciduria and homocystinuria (Hu et al. 2018. PubMed ID: 30157807; Wang et al. 2021. PubMed ID: 34389282) and in the heterozygous state in an individual with late-onset methylmalonic aciduria and homocystinuria, cblC type who carried a PRDX1 variant that results in cis-hypermethylation of the MMACHC gene promotor (Cavicchi et al. 2021. PubMed ID: 34215320). This variant has also been reported in the compound heterozygous state in an individual whose clinical information was not provided (Table S7, Stranneheim. 2021. PubMed ID: 33726816). In vitro experimental studies suggest this variant impacts protein solubility (Froese et al. 2012. PubMed ID: 22642810). Other missense variants affecting the same amino acid (p.Arg206Trp, p.Arg206Pro) have also been reported in individuals with methylmalonic aciduria and homocystinuria (Lerner-Ellis et al. 2006. PubMed ID: 16311595). This variant is reported in 0.076% of alleles in individuals of Latino descent in gnomAD. This variant is interpreted as likely pathogenic.

Labcorp Genetics (formerly Invitae), Labcorp
Classification: Pathogenic for Cobalamin C disease. Last evaluated: 2025-12-04. Review status: criteria provided, single submitter. Criteria: Invitae Variant Classification Sherloc (09022015). Collection method: clinical testing. Allele origin: germline.
Comment: This sequence change replaces arginine, which is basic and polar, with glutamine, which is neutral and polar, at codon 206 of the MMACHC protein (p.Arg206Gln). This variant is present in population databases (rs371753672, gnomAD 0.08%). This missense change has been observed in individual(s) with combined methylmalonic aciduria and homocystinuria (PMID: 30157807; internal data). In at least one individual the data is consistent with being in trans (on the opposite chromosome) from a pathogenic variant. ClinVar contains an entry for this variant (Variation ID: 848845). Invitae Evidence Modeling of protein sequence and biophysical properties (such as structural, functional, and spatial information, amino acid conservation, physicochemical variation, residue mobility, and thermodynamic stability) has been performed for this missense variant. However, the output from this modeling did not meet the statistical confidence thresholds required to predict the impact of this variant on MMACHC protein function. Experimental studies have shown that this missense change affects MMACHC function (PMID: 22642810). This variant disrupts the p.Arg206 amino acid residue in MMACHC. Other variant(s) that disrupt this residue have been observed in individuals with MMACHC-related conditions (PMID: 16311595, 20631720), which suggests that this may be a clinically significant amino acid residue. For these reasons, this variant has been classified as Pathogenic.

Natera, Inc.
Classification: Likely pathogenic for Methylmalonic aciduria and homocystinuria cblC type. Last evaluated: 2025-11-04. Review status: criteria provided, single submitter. Criteria: Natera Variant Classification Schema (03/2026). Collection method: clinical testing. Allele origin: germline.
Comment: The c.617G>A variant in MMACHC is a missense variant predicted to cause substitution of arginine to glutamine at amino acid 206. The frequency of this variant in the general population is greater than expected for disorder. This variant has been observed in one or more individuals affected with the associated recessive disease, as either homozygous or compound heterozygous with a second variant (PMID: 30157807, 34389282, 35193651). A different variant at the same position has been determined to be Pathogenic or Likely Pathogenic. Computational prediction algorithms indicate this variant is likely to affect gene or protein function. Given the available evidence, this variant is classified as Likely Pathogenic.

First Genomix Gene Laboratory, Genetic Diagnostics Department
Classification: Likely pathogenic for Cobalamin C disease. Last evaluated: 2025-05-21. Review status: criteria provided, single submitter. Criteria: ACMG Guidelines, 2015. Collection method: clinical testing. Allele origin: germline. Inheritance: Autosomal recessive inheritance. Affected: no. Observed: 1 variant allele.

Dasa
Classification: Likely pathogenic. Last evaluated: 2024-12-05. Review status: criteria provided, single submitter. Criteria: DASA Assertion Criteria. Collection method: clinical testing. Allele origin: germline.
Comment: NM_015506.3(MMACHC):c.617G>A (p.Arg206Gln) is a missense variant that results in the substitution of arginine with glutamine. The affected residue or protein region has prior evidence supporting clinical relevance. This variant has been recurrently observed in individuals with MMACHC-related disorders (PMID: 37252234; PMID: 30157807). Also, this variant is rare in population databases. Computational evidence supports a deleterious effect. Based on the currently available evidence, this variant is classified as likely pathogenic.

Fulgent Genetics
Classification: Pathogenic for Cobalamin C disease. Last evaluated: 2024-06-22. Review status: criteria provided, single submitter. Criteria: ACMG Guidelines, 2015. Collection method: clinical testing. Allele origin: germline.

Blueprint Genetics
Classification: Pathogenic for MMACHC-related disorders. Last evaluated: 2024-02-21. Review status: criteria provided, single submitter. Criteria: ACMG Guidelines, 2015. Collection method: clinical testing. Allele origin: germline. Affected: yes. Observed: 5 variant alleles.

Women's Health and Genetics/Laboratory Corporation of America, LabCorp
Classification: Likely pathogenic for Cobalamin C disease. Last evaluated: 2024-02-20. Review status: criteria provided, single submitter. Criteria: LabCorp Variant Classification Summary - May 2015. Collection method: clinical testing. Allele origin: germline.
Comment: Variant summary: MMACHC c.617G>A (p.Arg206Gln) results in a conservative amino acid change in the encoded protein sequence. Four of five in-silico tools predict a damaging effect of the variant on protein function. The variant allele was found at a frequency of 0.00017 in 249544 control chromosomes. This frequency is not significantly higher than estimated for a pathogenic variant in MMACHC causing Methylmalonic Acidemia With Homocystinuria (0.00017 vs 0.0032), allowing no conclusion about variant significance. c.617G>A has been reported in the literature in individuals affected with Methylmalonic Acidemia With Homocystinuria (Hu_2018, Wang_2021). Additionally, Arg206Trp has been classified as pathogenic in ClinVar and Arg206Pro has been associated with Methylmalonic aciduria in HGMD. Structural studies suggest that the variant impacts protein stability and ability to bind enzyme cofactors (Froese_2012). The following publications have been ascertained in the context of this evaluation (PMID: 30157807, 34215320, 22642810, 34389282). ClinVar contains an entry for this variant (Variation ID: 848845). Based on the evidence outlined above, the variant was classified as likely pathogenic.

3billion
Classification: Likely pathogenic for Cobalamin C disease. Last evaluated: 2023-07-13. Review status: criteria provided, single submitter. Criteria: ACMG Guidelines, 2015. Collection method: clinical testing. Allele origin: germline. Affected: yes.
Comment: The variant is observed at an extremely low frequency in the gnomAD v2.1.1 dataset (total allele frequency: 0.015%). Predicted Consequence/Location: Missense variant In silico tool predictions suggest damaging effect of the variant on gene or gene product (REVEL: 0.97; 3Cnet: 0.93). Same nucleotide change resulting in same amino acid change has been previously reported as pathogenic/likely pathogenic with strong evidence (ClinVar ID: VCV000848845). Different missense changes at the same codon (p.Arg206Pro, p.Arg206Trp) have been reported to be associated with MMACHC related disorder (ClinVar ID: VCV000203832 /PMID: 16311595). Therefore, this variant is classified as Likely pathogenic according to the recommendation of ACMG/AMP guideline.

Mayo Clinic Laboratories, Mayo Clinic
Classification: Likely pathogenic. Last evaluated: 2023-05-09. Review status: criteria provided, single submitter. Criteria: ACMG Guidelines, 2015. Collection method: clinical testing. Allele origin: germline. Observed: 2 variant alleles.
Comment: PP3, PM1, PM2, PM3, PM5

Revvity Omics, Revvity
Classification: Likely pathogenic for Cobalamin C disease. Last evaluated: 2022-01-01. Review status: criteria provided, single submitter. Criteria: ACMG Guidelines, 2015. Collection method: clinical testing. Allele origin: germline.

Juno Genomics, Hangzhou Juno Genomics, Inc
Classification: Pathogenic for Cobalamin C disease. Review status: criteria provided, single submitter. Criteria: ACMG Guidelines, 2015. Collection method: clinical testing. Allele origin: germline.
Comment: Absent from controls (or at extremely low frequency if recessive) in Genome Aggregation Database.;Multiple lines of computational evidence support a deleterious effect on the gene or gene product.;For recessive disorders, detected in trans with a pathogenic variant.;Patient's phenotype or family history is highly specific for a disease with a single genetic etiology.

Literature cited by the submitters: PubMed 30157807 (cited by 5 submitters); PubMed 22642810 (cited by 3 submitters); PubMed 16311595 (cited by Labcorp Genetics (formerly Invitae), Labcorp and 3billion); PubMed 20631720 (cited by Labcorp Genetics (formerly Invitae), Labcorp); PubMed 34389282 (cited by 3 submitters); PubMed 35193651 (cited by Natera, Inc. and Mayo Clinic Laboratories, Mayo Clinic); PubMed 37252234 (cited by Dasa); PubMed 38137438 (cited by Dasa); PubMed 34215320 (cited by Women's Health and Genetics/Laboratory Corporation of America, LabCorp and Mayo Clinic Laboratories, Mayo Clinic); PubMed 23241609 (cited by Mayo Clinic Laboratories, Mayo Clinic); PubMed 23754956 (cited by Mayo Clinic Laboratories, Mayo Clinic); PubMed 33726816 (cited by Mayo Clinic Laboratories, Mayo Clinic).

NM_015506.3(MMACHC):c.617G>A (p.Arg206Gln)

Genes: MMACHC (metabolism of cobalamin associated C; plus strand), LOC129930446 (ATAC-STARR-seq lymphoblastoid active region 972; plus strand). Cytogenetic location: 1p34.1.
Variant type: single nucleotide variant.
Coding change: c.617G>A on transcript NM_015506.3 (MANE Select); coding-DNA position 617, G replaced by A.
Protein change: p.Arg206Gln; replaces arginine 206 with glutamine.
Molecular consequence: missense variant.
Genome position (GRCh38, 1-based): chr1:45,508,983, G>A. VCF-style: chr1-45508983-G-A. GRCh37 (hg19) VCF-style: chr1-45974655-G-A.
Other names: c.446G>A, p.Arg149Gln (NM_001330540.2); short protein forms R206Q, R149Q.
Identifiers: ClinVar variation 848845 (VCV000848845.37), dbSNP rs371753672, ClinGen allele CA827810.